The following is an entry in ClinVar:

ClinVar aggregate classification (germline): Likely pathogenic (1 of 4 stars; one submission).

Conditions:
Acute infantile liver failure due to synthesis defect of mtDNA-encoded proteins. Also called: LIVER FAILURE, INFANTILE, TRANSIENT; TRMU Deficiency; Liver failure acute infantile. Identifiers: Orphanet 217371, MedGen C3278664, MONDO:0013111, OMIM 613070.

Submissions (2):

Women's Health and Genetics/Laboratory Corporation of America, LabCorp
Classification: Likely pathogenic for Acute infantile liver failure due to synthesis defect of mtDNA-encoded proteins. Last evaluated: 2022-11-23. Review status: criteria provided, single submitter. Criteria: LabCorp Variant Classification Summary - May 2015. Collection method: clinical testing. Allele origin: germline.
Comment: Variant summary: TRMU c.773-1G>C is located in a canonical splice-site and is predicted to affect mRNA splicing resulting in a significantly altered protein due to either exon skipping, shortening, or inclusion of intronic material. Several computational tools predict a significant impact on normal splicing: Four predict the variant abolishes a 3' acceptor site. However, these predictions have yet to be confirmed by functional studies. The variant was absent in 251436 control chromosomes (gnomAD, exomes dataset). To our knowledge, no occurrence of c.773-1G>C in individuals affected with Liver Failure Acute Infantile, Transient and no experimental evidence demonstrating its impact on protein function have been reported. No clinical diagnostic laboratories have submitted clinical-significance assessments for this variant to ClinVar after 2014. Based on the evidence outlined above, the variant was classified as likely pathogenic.

Dr. Peter K. Rogan Lab, Western University
No classification provided (evidence only). Condition: Germ cell tumor of testis. Review status: no classification provided. Collection method: in vitro. Allele origin: not applicable. Functional consequence: skipped exon, retained intron. Not counted in ClinVar's aggregate classification.

NM_018006.5(TRMU):c.773-1G>C

Gene: TRMU (tRNA mitochondrial 2-thiouridylase; plus strand). Cytogenetic location: 22q13.31.
Variant type: single nucleotide variant.
Coding change: c.773-1G>C on transcript NM_018006.5 (MANE Select); the canonical splice acceptor site of the intron before coding-DNA position 773, G replaced by C.
Molecular consequence: splice acceptor variant.
Genome position (GRCh38, 1-based): chr22:46,353,766, G>C. VCF-style: chr22-46353766-G-C. GRCh37 (hg19) VCF-style: chr22-46749663-G-C.
Other names: NC_000022.10:g.46749663G>C; c.773-1G>C (NM_001282785.2); c.431-1G>C (NM_001282782.2); c.353-1G>C (NM_001282783.2, NM_001282784.2).
Identifiers: ClinVar variation 1804812 (VCV001804812.2), dbSNP rs2518201331, ClinGen allele CA411947094.